The following is an entry in ClinVar:

NM_014270.5(SLC7A9):c.483C>T (p.Phe161=)

Gene: SLC7A9 (solute carrier family 7 member 9; minus strand). Cytogenetic location: 19q13.11.
Variant type: single nucleotide variant.
Coding change: c.483C>T on transcript NM_014270.5 (MANE Select); coding-DNA position 483, C replaced by T.
Protein change: p.Phe161=; no amino-acid change (phenylalanine 161 retained).
Molecular consequence: synonymous variant.
Genome position (GRCh38, 1-based): chr19:32,862,582, G>A on the plus strand (C>T on the coding strand, the complement: SLC7A9 is on the minus strand). VCF-style: chr19-32862582-G-A. GRCh37 (hg19) VCF-style: chr19-33353488-G-A.
Other names: c.483C>T, p.Phe161= (NM_001126335.2, NM_001243036.2); c.483C>T (NM_014270.4).
Identifiers: ClinVar variation 2770768 (VCV002770768.6), dbSNP rs537525571, ClinGen allele CA9358811.

ClinVar aggregate classification (germline): Benign/Likely benign. Review status: criteria provided, multiple submitters, no conflicts (2 of 4 stars). 3 submissions from 3 submitters: Benign (1); Likely benign (1). 1 of the submissions does not count toward it. Last evaluated 2026-01-30.

Conditions:
SLC7A9-related disorder. Also called: SLC7A9-related condition.

Allele frequency attached by ClinVar (database versions not stated): TOPMed 0.00002; gnomAD 0.00020; 1000 Genomes Project 30x 0.00031; 1000 Genomes Project 0.00040; ExAC 0.00090.
gnomAD v4.1: 655 of 1,613,948 alleles (0.041%); highest among the groups gnomAD compares: South Asian, 0.69%; 4 homozygotes.

Submissions (3):

Labcorp Genetics (formerly Invitae), Labcorp
Classification: Benign. Last evaluated: 2026-01-30. Review status: criteria provided, single submitter. Criteria: Invitae Variant Classification Sherloc (09022015). Collection method: clinical testing. Allele origin: germline.

Blueprint Genetics
Classification: Likely benign. Last evaluated: 2024-11-22. Review status: criteria provided, single submitter. Criteria: ACMG Guidelines, 2015. Collection method: clinical testing. Allele origin: germline.

PreventionGenetics, part of Exact Sciences
Classification: Likely benign for SLC7A9-related condition. Last evaluated: 2023-08-28. Review status: no assertion criteria provided. Collection method: clinical testing. Allele origin: germline. Not counted in ClinVar's aggregate classification.
Comment: This variant is classified as likely benign based on ACMG/AMP sequence variant interpretation guidelines (Richards et al. 2015 PMID: 25741868, with internal and published modifications).